The following is an entry in ClinVar:

NM_001064.4(TKT):c.1284G>A (p.Gln428=)

Genes: TKT (transketolase; minus strand), LOC126806684 (CDK7 strongly-dependent group 2 enhancer GRCh37_chr3:53261945-53263144; plus strand). Cytogenetic location: 3p21.1.
Variant type: single nucleotide variant.
Coding change: c.1284G>A on transcript NM_001064.4 (MANE Select); coding-DNA position 1284, G replaced by A.
Protein change: p.Gln428=; no amino-acid change (glutamine 428 retained).
Molecular consequence: synonymous variant. On other transcripts: non-coding transcript variant (1).
Genome position (GRCh38, 1-based): chr3:53,229,118, C>T on the plus strand (G>A on the coding strand, the complement: TKT is on the minus strand). VCF-style: chr3-53229118-C-T. GRCh37 (hg19) VCF-style: chr3-53263134-C-T.
Other names: c.1284G>A, p.Gln428= (NM_001135055.3); c.1308G>A, p.Gln436= (NM_001258028.2).
Identifiers: ClinVar variation 717617 (VCV000717617.10), dbSNP rs143812206, ClinGen allele CA2452558.

ClinVar aggregate classification (germline): Likely benign. Review status: criteria provided, multiple submitters, no conflicts (2 of 4 stars). 3 submissions from 3 submitters: Likely benign (3). Last evaluated 2025-10-01.

Allele frequency attached by ClinVar (database versions not stated): 1000 Genomes Project 0.00060; 1000 Genomes Project 30x 0.00078; gnomAD exomes 0.00127 and 0.00182; gnomAD 0.00134 and 0.00137; ExAC 0.00138; TOPMed 0.00152; ESP Exome Variant Server 0.00177.
gnomAD v4.1: 2,835 of 1,614,186 alleles (0.18%); highest among the groups gnomAD compares: Non-Finnish European, 0.22%; 9 homozygotes.

Submissions (3):

CeGaT Center for Human Genetics Tuebingen
Classification: Likely benign. Last evaluated: 2025-10-01. Review status: criteria provided, single submitter. Criteria: CeGaT Center For Human Genetics Tuebingen Variant Classification Criteria Version 2. Collection method: clinical testing. Allele origin: germline. Affected: yes. Observed: 1 variant allele.
Comment: TKT: BP4

Labcorp Genetics (formerly Invitae), Labcorp
Classification: Likely benign. Last evaluated: 2018-05-23. Review status: criteria provided, single submitter. Criteria: Invitae Variant Classification Sherloc (09022015). Collection method: clinical testing. Allele origin: germline.

Breakthrough Genomics
Classification: Likely benign. Review status: criteria provided, single submitter. Criteria: ACMG Guidelines, 2015. Collection method: not provided. Allele origin: germline. Inheritance: Autosomal recessive inheritance. Affected: yes.